The following is an entry in ClinVar:

NM_001407.3(CELSR3):c.5470G>A (p.Val1824Met)

Gene: CELSR3 (cadherin EGF LAG seven-pass G-type receptor 3; minus strand). Cytogenetic location: 3p21.31.
Variant type: single nucleotide variant.
Coding change: c.5470G>A on transcript NM_001407.3 (MANE Select); coding-DNA position 5470, G replaced by A.
Protein change: p.Val1824Met; replaces valine 1824 with methionine.
Molecular consequence: missense variant.
Genome position (GRCh38, 1-based): chr3:48,653,166, C>T on the plus strand (G>A on the coding strand, the complement: CELSR3 is on the minus strand). VCF-style: chr3-48653166-C-T. GRCh37 (hg19) VCF-style: chr3-48690599-C-T.
Other names: short protein forms V1824M.
Identifiers: ClinVar variation 4083724 (VCV004083724.8).

ClinVar aggregate classification (germline): Likely benign (1 of 4 stars; one submission).

gnomAD v4.1: 1,315 of 1,613,254 alleles (0.082%); highest among the groups gnomAD compares: Non-Finnish European, 0.1%; 1 homozygote.

Submission:

CeGaT Center for Human Genetics Tuebingen
Classification: Likely benign. Last evaluated: 2025-08-01. Review status: criteria provided, single submitter. Criteria: CeGaT Center For Human Genetics Tuebingen Variant Classification Criteria Version 2. Collection method: clinical testing. Allele origin: germline. Affected: yes. Observed: 1 variant allele.
Comment: CELSR3: BS1